The following is an entry in ClinVar:

NM_001110219.3(GJB6):c.-35T>A

Gene: GJB6 (gap junction protein beta 6; minus strand). Cytogenetic location: 13q12.11.
Variant type: single nucleotide variant.
Coding change: c.-35T>A on transcript NM_001110219.3 (MANE Select); 35 bases upstream of the start codon, T replaced by A.
Molecular consequence: 5 prime UTR variant.
Genome position (GRCh38, 1-based): chr13:20,229,599, A>T on the plus strand (T>A on the coding strand, the complement: GJB6 is on the minus strand). VCF-style: chr13-20229599-A-T. GRCh37 (hg19) VCF-style: chr13-20803738-A-T.
Other names: c.-35T>A (NM_001110220.3, NM_001110221.3, NM_001370090.1 and 3 more transcripts).
Identifiers: ClinVar variation 882818 (VCV000882818.5), dbSNP rs534287605, ClinGen allele CA246495354.

ClinVar aggregate classification (germline): Benign. Review status: criteria provided, multiple submitters, no conflicts (2 of 4 stars). 2 submissions from 2 submitters: Benign (2). Last evaluated 2018-01-22.

Conditions:
Hidrotic ectodermal dysplasia syndrome (GJB6). Also called: Ectodermal dysplasia 2, hidrotic; Autosomal dominant hidrotic ectodermal dysplasia; Clouston syndrome; Clouston's hidrotic ectodermal dysplasia; Hidrotic ectodermal dysplasia; ECTODERMAL DYSPLASIA 2, CLOUSTON TYPE. Identifiers: Orphanet 189, MedGen C0162361, MONDO:0007510, OMIM 129500.

Allele frequency attached by ClinVar (database versions not stated): 1000 Genomes Project 30x 0.00047; gnomAD 0.00001 and 0.00003; TOPMed 0.00002; 1000 Genomes Project 0.00040.

Submissions (2):

Illumina Laboratory Services, Illumina
Classification: Benign for Hidrotic ectodermal dysplasia syndrome. Last evaluated: 2018-01-22. Review status: criteria provided, single submitter. Criteria: ICSL Variant Classification Criteria 13 December 2019. Collection method: clinical testing. Allele origin: germline.
Comment: This variant was observed in the ICSL laboratory as part of a predisposition screen in an ostensibly healthy population. It had not been previously curated by ICSL or reported in the Human Gene Mutation Database (HGMD: prior to June 1st, 2018), and was therefore a candidate for classification through an automated scoring system. Utilizing variant allele frequency, disease prevalence and penetrance estimates, and inheritance mode, an automated score was calculated to assess if this variant is too frequent to cause the disease. Based on the score and internal cut-off values, a variant classified as benign is not then subjected to further curation. The score for this variant resulted in a classification of benign for this disease.

Breakthrough Genomics
Classification: Benign. Review status: criteria provided, single submitter. Criteria: ACMG Guidelines, 2015. Collection method: not provided. Allele origin: germline. Inheritance: Autosomal recessive inheritance. Affected: yes.